The following is an entry in ClinVar:

ClinVar aggregate classification (germline): Benign. Review status: criteria provided, multiple submitters, no conflicts (2 of 4 stars). 8 submissions from 8 submitters: Benign (7). 1 of the submissions does not count toward it. Last evaluated 2026-02-04.

Conditions:
Donnai-Barrow syndrome. Also called: DBS/FOAR SYNDROME; FACIOOCULOACOUSTICORENAL SYNDROME. Identifiers: Orphanet 2143, MedGen C1857277, MONDO:0009104, OMIM 222448.

Allele frequency attached by ClinVar (database versions not stated): 1000 Genomes Project 30x 0.01640; 1000 Genomes Project 0.01717; TOPMed 0.02566; ESP Exome Variant Server 0.02714; gnomAD 0.02788.
gnomAD v4.1: 57,369 of 1,614,116 alleles (3.6%); highest among the groups gnomAD compares: Non-Finnish European, 4%; 1,143 homozygotes.

Submissions (8):

Labcorp Genetics (formerly Invitae), Labcorp
Classification: Benign. Last evaluated: 2026-02-04. Review status: criteria provided, single submitter. Criteria: Invitae Variant Classification Sherloc (09022015). Collection method: clinical testing. Allele origin: germline.

Mayo Clinic Laboratories, Mayo Clinic
Classification: Benign. Last evaluated: 2024-12-31. Review status: criteria provided, single submitter. Criteria: ACMG Guidelines, 2015. Collection method: clinical testing. Allele origin: germline. Observed: 8 variant alleles.
Comment: BA1, BS2

Genome-Nilou Lab
Classification: Benign for Donnai-Barrow syndrome. Last evaluated: 2021-07-15. Review status: criteria provided, single submitter. Criteria: ACMG Guidelines, 2015. Collection method: clinical testing. Allele origin: germline. Affected: no.

GeneDx
Classification: Benign. Last evaluated: 2020-08-10. Review status: criteria provided, single submitter. Criteria: GeneDx Variant Classification Process June 2021. Collection method: clinical testing. Allele origin: germline. Affected: yes.
Comment: This variant is associated with the following publications: (PMID: 27197913, 19577669)

Illumina Laboratory Services, Illumina
Classification: Benign for Donnai-Barrow syndrome. Last evaluated: 2018-01-13. Review status: criteria provided, single submitter. Criteria: ICSL Variant Classification Criteria 13 December 2019. Collection method: clinical testing. Allele origin: germline.
Comment: This variant was observed in the ICSL laboratory as part of a predisposition screen in an ostensibly healthy population. It had not been previously curated by ICSL or reported in the Human Gene Mutation Database (HGMD: prior to June 1st, 2018), and was therefore a candidate for classification through an automated scoring system. Utilizing variant allele frequency, disease prevalence and penetrance estimates, and inheritance mode, an automated score was calculated to assess if this variant is too frequent to cause the disease. Based on the score and internal cut-off values, a variant classified as benign is not then subjected to further curation. The score for this variant resulted in a classification of benign for this disease.

Breakthrough Genomics
Classification: Benign. Review status: criteria provided, single submitter. Criteria: ACMG Guidelines, 2015. Collection method: not provided. Allele origin: germline. Inheritance: Autosomal recessive inheritance. Affected: yes.

PreventionGenetics, part of Exact Sciences
Classification: Benign. Review status: criteria provided, single submitter. Criteria: ACMG Guidelines, 2015. Collection method: clinical testing. Allele origin: germline.

Genetic Services Laboratory, University of Chicago
Classification: Likely benign for AllHighlyPenetrant. Review status: no assertion criteria provided. Collection method: clinical testing. Allele origin: germline. Inheritance: Autosomal recessive inheritance. Not counted in ClinVar's aggregate classification.
Comment: Likely benign based on allele frequency in 1000 Genomes Project or ESP global frequency and its presence in a patient with a rare or unrelated disease phenotype. NOT Sanger confirmed.

NM_004525.3(LRP2):c.7894A>G (p.Asn2632Asp)

Gene: LRP2 (LDL receptor related protein 2; minus strand). Cytogenetic location: 2q31.1.
Variant type: single nucleotide variant.
Coding change: c.7894A>G on transcript NM_004525.3 (MANE Select); coding-DNA position 7894, A replaced by G.
Protein change: p.Asn2632Asp; replaces asparagine 2632 with aspartic acid.
Molecular consequence: missense variant.
Genome position (GRCh38, 1-based): chr2:169,204,093, T>C on the plus strand (A>G on the coding strand, the complement: LRP2 is on the minus strand). VCF-style: chr2-169204093-T-C. GRCh37 (hg19) VCF-style: chr2-170060603-T-C.
Other names: short protein forms N2632D.
Identifiers: ClinVar variation 129540 (VCV000129540.23), dbSNP rs17848169, ClinGen allele CA153613.
Genomic context (GRCh38, chr2:169,204,093, plus strand): 5'-TACACTGTTGTTTCTGGTTCTTCACAACAGTGTTGATTCCCCTGGGCTGGGAGAGCAAAT[T>C]TGTGGTCATTGCAATCTGACCTGACCCGTCATATTTGTTAGCTCGGTAAATTCTTTGTGT-3'
Protein context (NP_004516.2, residues 2622-2642): DGSGQIAMTT[Asn2632Asp]LLSQPRGINT